The following is an entry in ClinVar:

ClinVar aggregate classification (germline): Uncertain significance. Review status: criteria provided, multiple submitters, no conflicts (2 of 4 stars). 2 submissions from 2 submitters: Uncertain significance (2). Last evaluated 2025-08-20.

Conditions:
Inborn genetic diseases. Identifiers: MedGen C0950123, MeSH D030342.
Benign neonatal seizures. Also called: Benign familial neonatal epilepsy; Convulsions benign familial neonatal dominant form; Autosomal dominant form of benign neonatal seizures; Benign neonatal familial convulsions; Benign familial neonatal seizures. Identifiers: MONDO:0016027, Orphanet 1949, MedGen C0220669.

Allele frequency attached by ClinVar (database versions not stated): gnomAD exomes below 0.00001.
gnomAD v4.1: 1 of 1,612,494 alleles (0.000062%); highest among the groups gnomAD compares: Non-Finnish European, 0.000085%; no homozygotes.

Submissions (2):

Ambry Genetics
Classification: Uncertain significance for Inborn genetic diseases. Last evaluated: 2025-08-20. Review status: criteria provided, single submitter. Criteria: Ambry Variant Classification Scheme 2023. Collection method: clinical testing. Allele origin: germline.

Labcorp Genetics (formerly Invitae), Labcorp
Classification: Uncertain significance for Benign neonatal seizures. Last evaluated: 2021-04-04. Review status: criteria provided, single submitter. Criteria: Invitae Variant Classification Sherloc (09022015). Collection method: clinical testing. Allele origin: germline.
Comment: This sequence change replaces proline with alanine at codon 507 of the KCNQ3 protein (p.Pro507Ala). The proline residue is weakly conserved and there is a small physicochemical difference between proline and alanine. In summary, the available evidence is currently insufficient to determine the role of this variant in disease. Therefore, it has been classified as a Variant of Uncertain Significance. Algorithms developed to predict the effect of missense changes on protein structure and function (SIFT, PolyPhen-2, Align-GVGD) all suggest that this variant is likely to be tolerated, but these predictions have not been confirmed by published functional studies and their clinical significance is uncertain. This variant has not been reported in the literature in individuals with KCNQ3-related conditions. This variant is not present in population databases (ExAC no frequency).

NM_004519.4(KCNQ3):c.1519C>G (p.Pro507Ala)

Gene: KCNQ3 (potassium voltage-gated channel subfamily Q member 3; minus strand). Cytogenetic location: 8q24.22.
Variant type: single nucleotide variant.
Coding change: c.1519C>G on transcript NM_004519.4 (MANE Select); coding-DNA position 1519, C replaced by G.
Protein change: p.Pro507Ala; replaces proline 507 with alanine.
Molecular consequence: missense variant.
Genome position (GRCh38, 1-based): chr8:132,140,125, G>C on the plus strand (C>G on the coding strand, the complement: KCNQ3 is on the minus strand). VCF-style: chr8-132140125-G-C. GRCh37 (hg19) VCF-style: chr8-133152372-G-C.
Other names: c.1159C>G, p.Pro387Ala (NM_001204824.2); short protein forms P507A, P387A.
Identifiers: ClinVar variation 839066 (VCV000839066.10), dbSNP rs1480684032, ClinGen allele CA372219656.